The following is an entry in ClinVar:

NM_002641.4(PIGA):c.448G>T (p.Val150Phe)

Gene: PIGA (phosphatidylinositol glycan anchor biosynthesis class A; minus strand). Cytogenetic location: Xp22.2.
Variant type: single nucleotide variant.
Coding change: c.448G>T on transcript NM_002641.4 (MANE Select); coding-DNA position 448, G replaced by T.
Protein change: p.Val150Phe; replaces valine 150 with phenylalanine.
Molecular consequence: missense variant. On other transcripts: intron variant (1).
Genome position (GRCh38, 1-based): chrX:15,331,483, C>A on the plus strand (G>T on the coding strand, the complement: PIGA is on the minus strand). VCF-style: chrX-15331483-C-A. GRCh37 (hg19) VCF-style: chrX-15349605-C-A.
Other names: c.13+4018G>T (NM_020473.3); short protein forms V150F.
Identifiers: ClinVar variation 3775427 (VCV003775427.1).

ClinVar aggregate classification (germline): Uncertain significance (1 of 4 stars; one submission).

Conditions:
Multiple congenital anomalies-hypotonia-seizures syndrome 2 (MCAHS2). Also called: GLYCOSYLPHOSPHATIDYLINOSITOL BIOSYNTHESIS DEFECT 4; EPILEPTIC ENCEPHALOPATHY, EARLY INFANTILE, 20. Identifiers: Orphanet 300496, MedGen C3275508, MONDO:0010466, OMIM 300868.

Submission:

3billion
Classification: Uncertain significance for Multiple congenital anomalies-hypotonia-seizures syndrome 2. Last evaluated: 2023-09-26. Review status: criteria provided, single submitter. Criteria: ACMG Guidelines, 2015. Collection method: clinical testing. Allele origin: germline. Affected: yes.
Comment: The variant is not observed in the gnomAD v2.1.1 dataset. Predicted Consequence/Location: Missense variant In silico tool predictions are discordant on damaging effect of the variant on gene or gene product [REVEL: 0.87 (>=0.6, sensitivity 0.68 and specificity 0.92); 3Cnet: 0.47 (>=0.6, sensitivity 0.72 and precision 0.9)]. Therefore, this variant is classified as VUS according to the recommendation of ACMG/AMP guideline.